The following is an entry in ClinVar:

ClinVar aggregate classification (germline): Uncertain significance (1 of 4 stars; one submission).

gnomAD v4.1: 3 of 1,613,822 alleles (0.00019%); highest among the groups gnomAD compares: African/African-American, 0.0013%; no homozygotes.

Submission:

Labcorp Genetics (formerly Invitae), Labcorp
Classification: Uncertain significance. Last evaluated: 2025-07-27. Review status: criteria provided, single submitter. Criteria: Invitae Variant Classification Sherloc (09022015). Collection method: clinical testing. Allele origin: germline.
Comment: This sequence change replaces asparagine, which is neutral and polar, with aspartic acid, which is acidic and polar, at codon 81 of the SERPING1 protein (p.Asn81Asp). This variant is present in population databases (rs759037246, gnomAD 0.01%). This variant has not been reported in the literature in individuals affected with SERPING1-related conditions. An algorithm developed to predict the effect of missense changes on protein structure and function outputs the following: PolyPhen-2: "Benign". The aspartic acid amino acid residue is found in multiple mammalian species, which suggests that this missense change does not adversely affect protein function. In summary, the available evidence is currently insufficient to determine the role of this variant in disease. Therefore, it has been classified as a Variant of Uncertain Significance.

NM_000062.3(SERPING1):c.241A>G (p.Asn81Asp)

Gene: SERPING1 (serpin family G member 1; plus strand). Cytogenetic location: 11q12.1.
Variant type: single nucleotide variant.
Coding change: c.241A>G on transcript NM_000062.3 (MANE Select); coding-DNA position 241, A replaced by G.
Protein change: p.Asn81Asp; replaces asparagine 81 with aspartic acid.
Molecular consequence: missense variant.
Genome position (GRCh38, 1-based): chr11:57,600,068, A>G. VCF-style: chr11-57600068-A-G. GRCh37 (hg19) VCF-style: chr11-57367541-A-G.
Other names: c.241A>G, p.Asn81Asp (NM_001032295.2); short protein forms N81D.
Identifiers: ClinVar variation 4729980 (VCV004729980.1).